The following is an entry in ClinVar:

ClinVar aggregate classification (germline): Uncertain significance (1 of 4 stars; one submission).

Submission:

Women's Health and Genetics/Laboratory Corporation of America, LabCorp
Classification: Uncertain significance. Last evaluated: 2024-06-11. Review status: criteria provided, single submitter. Criteria: LabCorp Variant Classification Summary - May 2015. Collection method: clinical testing. Allele origin: germline.
Comment: Variant summary: The variant involves the duplication of exons 4-5 in the POT1 gene. A presumed nomenclature of c.(-154+1_-153-1)_(9+1_10-1)dup has been designated for the purposes of this classification. This duplication is predicted to duplicate a segment including the initiation codon, therefore its impact on the encoded protein is unknown. The variant was detected at a frequency of 0.00046 in 21694 control chromosomes, predominantly in the European population at a frequency of 0.0013 in 7624 chromosomes (gnomAD Structural Variants Dataset). This frequency is not significantly higher than estimated for a pathogenic variant in POT1 causing POT1-Related Disorders, allowing no conclusion about variant significance. To our knowledge, no occurrence of c.(-154+1_-153-1)_(9+1_10-1)dup in individuals affected with POT1-Related Disorders and no experimental evidence demonstrating its impact on protein function have been reported. No submitters have cited clinical-significance assessments for this variant to ClinVar. Based on the evidence outlined above, the variant was classified as uncertain significance.

NC_000007.13:g.(124532435_124537218)_(124538429_124555627)dup

Gene: POT1 (protection of telomeres 1; minus strand). Cytogenetic location: 7q31.33.
Variant type: Duplication.
Identifiers: ClinVar variation 3339621 (VCV003339621.1).